The following is an entry in ClinVar:

ClinVar aggregate classification (germline): Uncertain significance (1 of 4 stars; one submission).

Submission:

Labcorp Genetics (formerly Invitae), Labcorp
Classification: Uncertain significance. Last evaluated: 2022-02-10. Review status: criteria provided, single submitter. Criteria: Invitae Variant Classification Sherloc (09022015). Collection method: clinical testing. Allele origin: germline.
Comment: In summary, the available evidence is currently insufficient to determine the role of this variant in disease. Therefore, it has been classified as a Variant of Uncertain Significance. Algorithms developed to predict the effect of missense changes on protein structure and function are either unavailable or do not agree on the potential impact of this missense change (SIFT: "Deleterious"; PolyPhen-2: "Benign"; Align-GVGD: "Class C0"). This variant has not been reported in the literature in individuals affected with EFL1-related conditions. This variant is not present in population databases (gnomAD no frequency). This sequence change replaces isoleucine, which is neutral and non-polar, with threonine, which is neutral and polar, at codon 251 of the EFL1 protein (p.Ile251Thr).

NM_024580.6(EFL1):c.752T>C (p.Ile251Thr)

Gene: EFL1 (elongation factor like GTPase 1; minus strand). Cytogenetic location: 15q25.2.
Variant type: single nucleotide variant.
Coding change: c.752T>C on transcript NM_024580.6 (MANE Select); coding-DNA position 752, T replaced by C.
Protein change: p.Ile251Thr; replaces isoleucine 251 with threonine.
Molecular consequence: missense variant. On other transcripts: 5 prime UTR variant (1), non-coding transcript variant (1).
Genome position (GRCh38, 1-based): chr15:82,230,951, A>G on the plus strand (T>C on the coding strand, the complement: EFL1 is on the minus strand). VCF-style: chr15-82230951-A-G. GRCh37 (hg19) VCF-style: chr15-82523292-A-G.
Other names: c.599T>C, p.Ile200Thr (NM_001040610.3); c.-38T>C (NM_001322844.2); c.752T>C, p.Ile251Thr (NM_001322845.2); short protein forms I200T, I251T.
Identifiers: ClinVar variation 1483215 (VCV001483215.8), dbSNP rs2141316192, ClinGen allele CA393279016.